The following is an entry in ClinVar:

ClinVar aggregate classification (germline): Uncertain significance (1 of 4 stars; one submission).

Conditions:
Multiple endocrine neoplasia, type 2 (MEN2). Identifiers: Orphanet 653, MedGen C4048306, MONDO:0019003. Disease mechanism: gain of function.

Submission:

Labcorp Genetics (formerly Invitae), Labcorp
Classification: Uncertain significance for Multiple endocrine neoplasia, type 2. Last evaluated: 2023-08-20. Review status: criteria provided, single submitter. Criteria: Invitae Variant Classification Sherloc (09022015). Collection method: clinical testing. Allele origin: germline.
Comment: In summary, the available evidence is currently insufficient to determine the role of this variant in disease. Therefore, it has been classified as a Variant of Uncertain Significance. This sequence change replaces alanine, which is neutral and non-polar, with glutamic acid, which is acidic and polar, at codon 919 of the RET protein (p.Ala919Glu). This variant is not present in population databases (gnomAD no frequency). This variant has not been reported in the literature in individuals affected with RET-related conditions. An algorithm developed to predict the effect of missense changes on protein structure and function (PolyPhen-2) suggests that this variant is likely to be disruptive.

NM_020975.6(RET):c.2756C>A (p.Ala919Glu)

Gene: RET (ret proto-oncogene; plus strand). Cytogenetic location: 10q11.21.
Variant type: single nucleotide variant.
Coding change: c.2756C>A on transcript NM_020975.6 (MANE Select); coding-DNA position 2756, C replaced by A.
Protein change: p.Ala919Glu; replaces alanine 919 with glutamic acid.
Molecular consequence: missense variant.
Genome position (GRCh38, 1-based): chr10:43,121,971, C>A. VCF-style: chr10-43121971-C-A. GRCh37 (hg19) VCF-style: chr10-43617419-C-A.
Other names: c.1859C>A, p.Ala620Glu (NM_001406780.1, NM_001406781.1, NM_001406782.1 and 1 more transcripts); c.1730C>A, p.Ala577Glu (NM_001406783.1, NM_001406786.1); c.1766C>A, p.Ala589Glu (NM_001406784.1); c.1739C>A, p.Ala580Glu (NM_001406785.1); c.1724C>A, p.Ala575Glu (NM_001406787.1); c.1571C>A, p.Ala524Glu (NM_001406788.1, NM_001406789.1, NM_001406790.1); c.1451C>A, p.Ala484Glu (NM_001406791.1); c.1307C>A, p.Ala436Glu (NM_001406792.1, NM_001406793.1, NM_001406794.1); and 10 more; short protein forms A436E, A575E, A577E, A665E, A773E, A787E, A876E, A620E.
Identifiers: ClinVar variation 2754261 (VCV002754261.3), dbSNP rs2538597245, ClinGen allele CA376557495.
Genomic context (GRCh38, chr10:43,121,971, plus strand): 5'-GTAACTTCAATGTCTTTATTCCATCTTCTCTTTAGGGTCGGATTCCAGTTAAATGGATGG[C>A]AATTGAATCCCTTTTTGATCATATCTACACCACGCAAAGTGATGTGTAAGTGTGGGTGTT-3'
Protein context (NP_066124.1, residues 909-929): SQGRIPVKWM[Ala919Glu]IESLFDHIYT